The following is an entry in ClinVar:

ClinVar aggregate classification (germline): Uncertain significance (1 of 4 stars; one submission).

Conditions:
Epidermolysis bullosa simplex 5B, with muscular dystrophy (EBS5B). Also called: EPIDERMOLYSIS BULLOSA SIMPLEX AND LIMB-GIRDLE MUSCULAR DYSTROPHY; Epidermolysis bullosa simplex with muscular dystrophy. Identifiers: Orphanet 257, MedGen C2931072, MONDO:0009181, OMIM 226670.
Epidermolysis bullosa simplex, Ogna type (EBS5A). Also called: Pidermolysis bullosa simplex 5A, Ogna type; EPIDERMOLYSIS BULLOSA SIMPLEX 5A, OGNA TYPE. Identifiers: Orphanet 79401, MedGen C0432317, MONDO:0007555, OMIM 131950.
Epidermolysis bullosa simplex 5C, with pyloric atresia (EBS5C). Also called: Epidermolysis bullosa simplex with pyloric atresia; PLEC-Related Epidermolysis Bullosa with Pyloric Atresia; PLEC1-Related Epidermolysis Bullosa with Pyloric Atresia. Identifiers: Orphanet 158684, MedGen C2677349, MONDO:0012807, OMIM 612138.
Autosomal recessive limb-girdle muscular dystrophy type 2Q (LGMDR17). Also called: MUSCULAR DYSTROPHY, LIMB-GIRDLE, AUTOSOMAL RECESSIVE 17. Identifiers: Orphanet 254361, MedGen C3150989, MONDO:0013390, OMIM 613723.
Epidermolysis bullosa simplex with nail dystrophy (EBS5D). Identifiers: MedGen C4225309, MONDO:0014661, OMIM 616487.

gnomAD v4.1: 13 of 1,582,804 alleles (0.00082%); highest among the groups gnomAD compares: Admixed American, 0.0018%; no homozygotes.

Submission:

Labcorp Genetics (formerly Invitae), Labcorp
Classification: Uncertain significance for Autosomal recessive limb-girdle muscular dystrophy type 2Q; Epidermolysis bullosa simplex, Ogna type; Epidermolysis bullosa simplex with nail dystrophy; Epidermolysis bullosa simplex 5C, with pyloric atresia; Epidermolysis bullosa simplex 5B, with muscular dystrophy. Last evaluated: 2025-08-20. Review status: criteria provided, single submitter. Criteria: Invitae Variant Classification Sherloc (09022015). Collection method: clinical testing. Allele origin: germline.
Comment: This sequence change replaces lysine, which is basic and polar, with threonine, which is neutral and polar, at codon 822 of the PLEC protein (p.Lys822Thr). This variant is present in population databases (rs782541394, gnomAD 0.005%). This variant has not been reported in the literature in individuals affected with PLEC-related conditions. Invitae Evidence Modeling of protein sequence and biophysical properties (such as structural, functional, and spatial information, amino acid conservation, physicochemical variation, residue mobility, and thermodynamic stability) indicates that this missense variant is not expected to disrupt PLEC protein function with a negative predictive value of 80%. In summary, the available evidence is currently insufficient to determine the role of this variant in disease. Therefore, it has been classified as a Variant of Uncertain Significance.

NM_201384.3(PLEC):c.2384A>C (p.Lys795Thr)

Gene: PLEC (plectin; minus strand). Cytogenetic location: 8q24.3.
Variant type: single nucleotide variant.
Coding change: c.2384A>C on transcript NM_201384.3 (MANE Select); coding-DNA position 2384, A replaced by C.
Protein change: p.Lys795Thr; replaces lysine 795 with threonine.
Molecular consequence: missense variant.
Genome position (GRCh38, 1-based): chr8:143,930,457, T>G on the plus strand (A>C on the coding strand, the complement: PLEC is on the minus strand). VCF-style: chr8-143930457-T-G. GRCh37 (hg19) VCF-style: chr8-145004625-T-G.
Other names: c.2465A>C, p.Lys822Thr (NM_000445.5, NM_001410941.1); c.2342A>C, p.Lys781Thr (NM_201378.4); c.2318A>C, p.Lys773Thr (NM_201379.3); c.2795A>C, p.Lys932Thr (NM_201380.4); c.2288A>C, p.Lys763Thr (NM_201381.3); c.2384A>C, p.Lys795Thr (NM_201382.4); c.2396A>C, p.Lys799Thr (NM_201383.3); short protein forms K822T, K932T, K781T, K795T, K799T, K763T, K773T.
Identifiers: ClinVar variation 4793497 (VCV004793497.1).